The following is an entry in ClinVar:

NM_001106.4(ACVR2B):c.*3127G>A

Gene: ACVR2B (activin A receptor type 2B; plus strand). Cytogenetic location: 3p22.2.
Variant type: single nucleotide variant.
Coding change: c.*3127G>A on transcript NM_001106.4 (MANE Select); 3127 bases downstream of the stop codon, G replaced by A.
Molecular consequence: 3 prime UTR variant.
Genome position (GRCh38, 1-based): chr3:38,486,459, G>A. VCF-style: chr3-38486459-G-A. GRCh37 (hg19) VCF-style: chr3-38527950-G-A.
Identifiers: ClinVar variation 344975 (VCV000344975.5), dbSNP rs139847458, ClinGen allele CA10618265.

ClinVar aggregate classification (germline): Benign (1 of 4 stars; one submission).

Conditions:
Heterotaxy, visceral, 4, autosomal (HTX4). Identifiers: Orphanet 450, MedGen C3151057, MONDO:0013403, OMIM 613751.

Allele frequency attached by ClinVar (database versions not stated): gnomAD 0.00682 and 0.00714; TOPMed 0.00764; 1000 Genomes Project 0.01018; 1000 Genomes Project 30x 0.01156.

Submission:

Illumina Laboratory Services, Illumina
Classification: Benign for Heterotaxy, visceral, 4, autosomal. Last evaluated: 2018-01-13. Review status: criteria provided, single submitter. Criteria: ICSL Variant Classification Criteria 13 December 2019. Collection method: clinical testing. Allele origin: germline.
Comment: This variant was observed in the ICSL laboratory as part of a predisposition screen in an ostensibly healthy population. It had not been previously curated by ICSL or reported in the Human Gene Mutation Database (HGMD: prior to June 1st, 2018), and was therefore a candidate for classification through an automated scoring system. Utilizing variant allele frequency, disease prevalence and penetrance estimates, and inheritance mode, an automated score was calculated to assess if this variant is too frequent to cause the disease. Based on the score and internal cut-off values, a variant classified as benign is not then subjected to further curation. The score for this variant resulted in a classification of benign for this disease.